The following is an entry in ClinVar:

ClinVar aggregate classification (germline): Likely benign. Review status: criteria provided, multiple submitters, no conflicts (2 of 4 stars). 3 submissions from 3 submitters: Likely benign (3). Last evaluated 2025-10-16.

Conditions:
Chédiak-Higashi syndrome (CHS). Also called: Chediak-Higashi Syndrome. Identifiers: Orphanet 167, MedGen C0007965, MONDO:0008963, OMIM 214500.

Allele frequency attached by ClinVar (database versions not stated): gnomAD 0.00002 and 0.00006; TOPMed 0.00003 and 0.00004; gnomAD exomes 0.00004 and 0.00007; ExAC 0.00007; ESP Exome Variant Server 0.00008.
gnomAD v4.1: 62 of 1,613,136 alleles (0.0038%); highest among the groups gnomAD compares: South Asian, 0.011%; no homozygotes.

Submissions (3):

Labcorp Genetics (formerly Invitae), Labcorp
Classification: Likely benign for Chédiak-Higashi syndrome. Last evaluated: 2025-10-16. Review status: criteria provided, single submitter. Criteria: Invitae Variant Classification Sherloc (09022015). Collection method: clinical testing. Allele origin: germline.

Mayo Clinic Laboratories, Mayo Clinic
Classification: Likely benign. Last evaluated: 2025-06-23. Review status: criteria provided, single submitter. Criteria: ACMG Guidelines, 2015. Collection method: clinical testing. Allele origin: germline. Observed: 1 variant allele.
Comment: BP4, BP7

Blueprint Genetics
Classification: Likely benign. Last evaluated: 2024-03-14. Review status: criteria provided, single submitter. Criteria: ACMG Guidelines, 2015. Collection method: clinical testing. Allele origin: germline.

NM_000081.4(LYST):c.5418C>T (p.His1806=)

Gene: LYST (lysosomal trafficking regulator; minus strand). Cytogenetic location: 1q42.3.
Variant type: single nucleotide variant.
Coding change: c.5418C>T on transcript NM_000081.4 (MANE Select); coding-DNA position 5418, C replaced by T.
Protein change: p.His1806=; no amino-acid change (histidine 1806 retained).
Molecular consequence: synonymous variant.
Genome position (GRCh38, 1-based): chr1:235,777,105, G>A on the plus strand (C>T on the coding strand, the complement: LYST is on the minus strand). VCF-style: chr1-235777105-G-A. GRCh37 (hg19) VCF-style: chr1-235940405-G-A.
Other names: p.His1806=; c.5418C>T, p.His1806= (NM_001301365.1).
Identifiers: ClinVar variation 779491 (VCV000779491.12), dbSNP rs146990900, ClinGen allele CA1466636.